The following is an entry in ClinVar:

NM_198578.4(LRRK2):c.7369G>A (p.Val2457Ile)

Gene: LRRK2 (leucine rich repeat kinase 2; plus strand). Cytogenetic location: 12q12.
Variant type: single nucleotide variant.
Coding change: c.7369G>A on transcript NM_198578.4 (MANE Select); coding-DNA position 7369, G replaced by A.
Protein change: p.Val2457Ile; replaces valine 2457 with isoleucine.
Molecular consequence: missense variant.
Genome position (GRCh38, 1-based): chr12:40,365,029, G>A. VCF-style: chr12-40365029-G-A. GRCh37 (hg19) VCF-style: chr12-40758831-G-A.
Other names: short protein forms V2457I.
Identifiers: ClinVar variation 1758543 (VCV001758543.2), dbSNP rs2137051075, ClinGen allele CA384415332.

ClinVar aggregate classification (germline): Uncertain significance (1 of 4 stars; one submission).

Conditions:
Inborn genetic diseases. Identifiers: MedGen C0950123, MeSH D030342.

Allele frequency attached by ClinVar (database versions not stated): gnomAD exomes below 0.00001.
gnomAD v4.1: 1 of 1,612,376 alleles (0.000062%); highest among the groups gnomAD compares: Non-Finnish European, 0.000085%; no homozygotes.

Submission:

Ambry Genetics
Classification: Uncertain significance for Inborn genetic diseases. Last evaluated: 2022-07-25. Review status: criteria provided, single submitter. Criteria: Ambry Variant Classification Scheme 2023. Collection method: clinical testing. Allele origin: germline.
Comment: The p.V2457I variant (also known as c.7369G>A), located in coding exon 49 of the LRRK2 gene, results from a G to A substitution at nucleotide position 7369. The valine at codon 2457 is replaced by isoleucine, an amino acid with highly similar properties. This amino acid position is conserved. In addition, this alteration is predicted to be tolerated by in silico analysis. Since supporting evidence is limited at this time, the clinical significance of this alteration remains unclear.